The following is an entry in ClinVar:

NM_000264.5(PTCH1):c.2672G>A (p.Gly891Asp)

Gene: PTCH1 (patched 1; minus strand). Cytogenetic location: 9q22.32.
Variant type: single nucleotide variant.
Coding change: c.2672G>A on transcript NM_000264.5 (MANE Select); coding-DNA position 2672, G replaced by A.
Protein change: p.Gly891Asp; replaces glycine 891 with aspartic acid.
Molecular consequence: missense variant. On other transcripts: non-coding transcript variant (1).
Genome position (GRCh38, 1-based): chr9:95,461,887, C>T on the plus strand (G>A on the coding strand, the complement: PTCH1 is on the minus strand). VCF-style: chr9-95461887-C-T. GRCh37 (hg19) VCF-style: chr9-98224169-C-T.
Other names: c.2474G>A, p.Gly825Asp (NM_001083602.3); c.2669G>A, p.Gly890Asp (NM_001083603.3); c.2219G>A, p.Gly740Asp (NM_001083604.3, NM_001083605.3, NM_001083606.3 and 1 more transcripts); c.2516G>A, p.Gly839Asp (NM_001354918.2); short protein forms G740D, G825D, G839D, G890D, G891D.
Identifiers: ClinVar variation 3230986 (VCV003230986.2), dbSNP rs2136687351, ClinGen allele CA374113343.

ClinVar aggregate classification (germline): Uncertain significance (1 of 4 stars; one submission).

Conditions:
Hereditary cancer-predisposing syndrome. Also called: Neoplastic Syndromes, Hereditary; Tumor predisposition; Hereditary Cancer Syndrome; Hereditary neoplastic syndrome. Identifiers: Orphanet 140162, MedGen C0027672, MeSH D009386, MONDO:0015356.

Submission:

Ambry Genetics
Classification: Uncertain significance for Hereditary cancer-predisposing syndrome. Last evaluated: 2026-05-07. Review status: criteria provided, single submitter. Criteria: Ambry Variant Classification Scheme 2023. Collection method: clinical testing. Allele origin: germline.
Comment: The p.G891D variant (also known as c.2672G>A), located in coding exon 16 of the PTCH1 gene, results from a G to A substitution at nucleotide position 2672. The glycine at codon 891 is replaced by aspartic acid, an amino acid with similar properties. This amino acid position is conserved. In addition, this alteration is predicted to be deleterious by in silico analysis. Based on the available evidence, the clinical significance of this variant remains unclear.